The following is an entry in ClinVar:

NM_182961.4(SYNE1):c.10766C>T (p.Thr3589Ile)

Gene: SYNE1 (spectrin repeat containing nuclear envelope protein 1; minus strand). Cytogenetic location: 6q25.2.
Variant type: single nucleotide variant.
Coding change: c.10766C>T on transcript NM_182961.4 (MANE Select); coding-DNA position 10766, C replaced by T.
Protein change: p.Thr3589Ile; replaces threonine 3589 with isoleucine.
Molecular consequence: missense variant.
Genome position (GRCh38, 1-based): chr6:152,354,819, G>A on the plus strand (C>T on the coding strand, the complement: SYNE1 is on the minus strand). VCF-style: chr6-152354819-G-A. GRCh37 (hg19) VCF-style: chr6-152675954-G-A.
Other names: c.10766C>T (NM_182961.2); c.10787C>T, p.Thr3596Ile (NM_033071.5); short protein forms T3589I, T3596I.
Identifiers: ClinVar variation 286441 (VCV000286441.19), dbSNP rs201487756, ClinGen allele CA4056883.

ClinVar aggregate classification (germline): Uncertain significance. Review status: criteria provided, multiple submitters, no conflicts (2 of 4 stars). 7 submissions from 7 submitters: Uncertain significance (7). Last evaluated 2026-03-13.

Conditions:
Emery-Dreifuss muscular dystrophy 4, autosomal dominant (EDMD4). Also called: EMERY-DREIFUSS MUSCULAR DYSTROPHY 4 WITH VARIABLE FEATURES. Identifiers: Orphanet 261, MedGen C2751807, MONDO:0013071, OMIM 612998.
Autosomal recessive ataxia, Beauce type. Also called: SYNE1 Deficiency; ATAXIA, RECESSIVE, OF BEAUCE; SYNE1-Related Autosomal Recessive Cerebellar Ataxia; Spinocerebellar ataxia, autosomal recessive 8. Identifiers: Orphanet 88644, MedGen C1853116, MONDO:0012549, OMIM 610743.

Allele frequency attached by ClinVar (database versions not stated): 1000 Genomes Project 30x 0.00031; gnomAD 0.00003 and 0.00005; TOPMed 0.00003; ExAC 0.00010; gnomAD exomes 0.00011; 1000 Genomes Project 0.00020.
gnomAD v4.1: 125 of 1,614,132 alleles (0.0077%); highest among the groups gnomAD compares: South Asian, 0.051%; no homozygotes.

Submissions (7):

GeneDx
Classification: Uncertain significance. Last evaluated: 2026-03-13. Review status: criteria provided, single submitter. Criteria: GeneDx Variant Classification Process June 2021. Collection method: clinical testing. Allele origin: germline.
Comment: In silico analysis suggests that this missense variant does not alter protein structure/function; Has not been previously published as pathogenic or benign to our knowledge

Labcorp Genetics (formerly Invitae), Labcorp
Classification: Uncertain significance for Emery-Dreifuss muscular dystrophy 4, autosomal dominant; Autosomal recessive ataxia, Beauce type. Last evaluated: 2025-08-26. Review status: criteria provided, single submitter. Criteria: Invitae Variant Classification Sherloc (09022015). Collection method: clinical testing. Allele origin: germline.
Comment: This sequence change replaces threonine, which is neutral and polar, with isoleucine, which is neutral and non-polar, at codon 3596 of the SYNE1 protein (p.Thr3596Ile). This variant is present in population databases (rs201487756, gnomAD 0.05%). This variant has not been reported in the literature in individuals affected with SYNE1-related conditions. ClinVar contains an entry for this variant (Variation ID: 286441). An algorithm developed to predict the effect of missense changes on protein structure and function outputs the following: PolyPhen-2: "Benign". The isoleucine amino acid residue is found in multiple mammalian species, which suggests that this missense change does not adversely affect protein function. In summary, the available evidence is currently insufficient to determine the role of this variant in disease. Therefore, it has been classified as a Variant of Uncertain Significance.

Athena Diagnostics
Classification: Uncertain significance. Last evaluated: 2024-03-13. Review status: criteria provided, single submitter. Criteria: Athena Diagnostics Criteria. Collection method: clinical testing. Allele origin: unknown.
Comment: Available data are insufficient to determine the clinical significance of the variant at this time. The frequency of this variant in the general population is uninformative in assessment of its pathogenicity. Computational tools predict that this variant is not damaging.

Dubai Health Genomic Medicine Center, Dubai Health
Classification: Uncertain significance. Last evaluated: 2019-12-29. Review status: criteria provided, single submitter. Criteria: ACMG Guidelines, 2015. Collection method: clinical testing. Allele origin: germline. Affected: yes.

Revvity Omics, Revvity
Classification: Uncertain significance. Last evaluated: 2019-03-21. Review status: criteria provided, single submitter. Criteria: ACMG Guidelines, 2015. Collection method: clinical testing. Allele origin: germline.

Baylor Genetics
Classification: Uncertain significance for Emery-Dreifuss muscular dystrophy 4, autosomal dominant. Last evaluated: 2018-04-25. Review status: criteria provided, single submitter. Criteria: ACMG Guidelines, 2015. Collection method: clinical testing. Allele origin: unknown. Affected: yes.
Comment: This variant was determined to be of uncertain significance according to ACMG Guidelines, 2015 [PMID:25741868].

Eurofins Ntd Llc (ga)
Classification: Uncertain significance. Last evaluated: 2016-03-02. Review status: criteria provided, single submitter. Criteria: EGL Classification Definitions 2015. Collection method: clinical testing. Allele origin: germline. Observed: 1 variant allele, 1 heterozygote.